The following is an entry in ClinVar:

NM_001369.3(DNAH5):c.5282G>A (p.Arg1761Gln)

Gene: DNAH5 (dynein axonemal heavy chain 5; minus strand). Cytogenetic location: 5p15.2.
Variant type: single nucleotide variant.
Coding change: c.5282G>A on transcript NM_001369.3 (MANE Select); coding-DNA position 5282, G replaced by A.
Protein change: p.Arg1761Gln; replaces arginine 1761 with glutamine.
Molecular consequence: missense variant.
Genome position (GRCh38, 1-based): chr5:13,841,894, C>T on the plus strand (G>A on the coding strand, the complement: DNAH5 is on the minus strand). VCF-style: chr5-13841894-C-T. GRCh37 (hg19) VCF-style: chr5-13842003-C-T.
Other names: short protein forms R1761Q.
Identifiers: ClinVar variation 1746576 (VCV001746576.7), dbSNP rs774020682, ClinGen allele CA3203709.
Genomic context (GRCh38, chr5:13,841,894, plus strand): 5'-GCCATGACAGGTTTATCCAATTCAATCGTCTCACCCTCTTGAGAGGAAATTGACAGAATT[C>T]GATCATAGATCTATGTTAGAAACCAAAAAAAAAAAAAAAAAAAGCTATAGTCATATAAAA-3'
Protein context (NP_001360.1, residues 1751-1771): SVKFHEKIYD[Arg1761Gln]ILSISSQEGE

ClinVar aggregate classification (germline): Conflicting classifications of pathogenicity. Review status: criteria provided, conflicting classifications (1 of 4 stars). 2 submissions from 2 submitters: Uncertain significance (1); Likely benign (1). Last evaluated 2024-12-09.

Conditions:
Primary ciliary dyskinesia. Also called: Ciliary dyskinesia. Identifiers: Orphanet 244, MedGen C0008780, MONDO:0016575, HP:0012265.

Allele frequency attached by ClinVar (database versions not stated): gnomAD exomes 0.00001; ExAC 0.00002; gnomAD 0.00003.
gnomAD v4.1: 19 of 1,218,154 alleles (0.0016%); highest among the groups gnomAD compares: Admixed American, 0.006%; no homozygotes.

Submissions (2):

Labcorp Genetics (formerly Invitae), Labcorp
Classification: Likely benign for Primary ciliary dyskinesia. Last evaluated: 2024-12-09. Review status: criteria provided, single submitter. Criteria: Invitae Variant Classification Sherloc (09022015). Collection method: clinical testing. Allele origin: germline.

Ambry Genetics
Classification: Uncertain significance for Primary ciliary dyskinesia. Last evaluated: 2014-09-16. Review status: criteria provided, single submitter. Criteria: Ambry Variant Classification Scheme 2023. Collection method: clinical testing. Allele origin: germline.
Comment: The p.R1761Q variant (also known as c.5282G>A), located in coding exon 33 of the DNAH5 gene, results from a G to A substitution at nucleotide position 5282. The arginine at codon 1761 is replaced by glutamine, an amino acid with some highly similar properties. This variant was not reported in population based cohorts in the following databases: Database of Single Nucleotide Polymorphisms (dbSNP), NHLBI Exome Sequencing Project (ESP), and 1000 Genomes Project. This amino acid position is conserved in all available species, except rabbit, pika, and zebrafish. In addition, this alteration is predicted to be tolerated by in silico analysis. Since supporting evidence is limited at this time, the clinical significance of this variant remains unclear.